The following is an entry in ClinVar:

NM_015631.6(TCTN3):c.907C>T (p.Leu303Phe)

Gene: TCTN3 (tectonic family member 3; minus strand). Cytogenetic location: 10q24.1.
Variant type: single nucleotide variant.
Coding change: c.907C>T on transcript NM_015631.6 (MANE Select); coding-DNA position 907, C replaced by T.
Protein change: p.Leu303Phe; replaces leucine 303 with phenylalanine.
Molecular consequence: missense variant. On other transcripts: intron variant (1).
Genome position (GRCh38, 1-based): chr10:95,685,618, G>A on the plus strand (C>T on the coding strand, the complement: TCTN3 is on the minus strand). VCF-style: chr10-95685618-G-A. GRCh37 (hg19) VCF-style: chr10-97445375-G-A.
Other names: c.961C>T, p.Leu321Phe (NM_001013840.1); c.651+877C>T (NM_001143973.2); short protein forms L303F, L321F.
Identifiers: ClinVar variation 2427969 (VCV002427969.5), dbSNP rs2492753584, ClinGen allele CA377706168.
Genomic context (GRCh38, chr10:95,685,618, plus strand): 5'-GAGAAACTACATTCTGACAAGTGTTTCCAGCCAACAGAGGAGCATTAGCCTGTGAGGTAA[G>A]TATTACAGGAACCTGGAACTAGCAACGAAAAGAAGCAAATTAACTAAAACTGAAGGCGGT-3'
Protein context (NP_056446.4, residues 293-313): QNMEFQVPVI[Leu303Phe]TSQANAPLLA

ClinVar aggregate classification (germline): Uncertain significance (1 of 4 stars; one submission).

Conditions:
Joubert syndrome 18 (JBTS18). Identifiers: Orphanet 2754, MedGen C3553758, MONDO:0013896, OMIM 614815.
Orofacial-digital syndrome IV (OFD4). Also called: BARAITSER-BURN SYNDROME; OFD SYNDROME WITH TIBIAL DEFECTS; OFD SYNDROME, BARAITSER-BURN TYPE; OFDS IV; ORAL-FACIAL-DIGITAL SYNDROME, TYPE IV; Orofaciodigital syndrome IV. Identifiers: Orphanet 2753, MedGen C0406727, MONDO:0009794, OMIM 258860.

Allele frequency attached by ClinVar (database versions not stated): gnomAD exomes below 0.00001.
gnomAD v4.1: 1 of 1,551,348 alleles (0.000064%); highest among the groups gnomAD compares: Non-Finnish European, 0.000087%; no homozygotes.

Submission:

Labcorp Genetics (formerly Invitae), Labcorp
Classification: Uncertain significance for Joubert syndrome 18; Orofacial-digital syndrome IV. Last evaluated: 2023-11-20. Review status: criteria provided, single submitter. Criteria: Invitae Variant Classification Sherloc (09022015). Collection method: clinical testing. Allele origin: germline.
Comment: This sequence change replaces leucine, which is neutral and non-polar, with phenylalanine, which is neutral and non-polar, at codon 303 of the TCTN3 protein (p.Leu303Phe). This variant is not present in population databases (gnomAD no frequency). This variant has not been reported in the literature in individuals affected with TCTN3-related conditions. ClinVar contains an entry for this variant (Variation ID: 2427969). Advanced modeling of protein sequence and biophysical properties (such as structural, functional, and spatial information, amino acid conservation, physicochemical variation, residue mobility, and thermodynamic stability) performed at Invitae indicates that this missense variant is not expected to disrupt TCTN3 protein function with a negative predictive value of 80%. In summary, the available evidence is currently insufficient to determine the role of this variant in disease. Therefore, it has been classified as a Variant of Uncertain Significance.